The following is an entry in ClinVar:

NM_002109.6(HARS1):c.1508G>T (p.Gly503Val)

Gene: HARS1 (histidyl-tRNA synthetase 1; minus strand). Cytogenetic location: 5q31.3.
Variant type: single nucleotide variant.
Coding change: c.1508G>T on transcript NM_002109.6 (MANE Select); coding-DNA position 1508, G replaced by T.
Protein change: p.Gly503Val; replaces glycine 503 with valine.
Molecular consequence: missense variant.
Genome position (GRCh38, 1-based): chr5:140,674,279, C>A on the plus strand (G>T on the coding strand, the complement: HARS1 is on the minus strand). VCF-style: chr5-140674279-C-A. GRCh37 (hg19) VCF-style: chr5-140053864-C-A.
Other names: c.1388G>T, p.Gly463Val (NM_001258040.3); c.1448G>T, p.Gly483Val (NM_001258041.3); c.1328G>T, p.Gly443Val (NM_001258042.3); c.1286G>T, p.Gly429Val (NM_001289092.2); c.1166G>T, p.Gly389Val (NM_001289093.2); c.1421G>T, p.Gly474Val (NM_001289094.2); short protein forms G389V, G429V, G443V, G463V, G474V, G483V, G503V.
Identifiers: ClinVar variation 1680281 (VCV001680281.8), dbSNP rs781414119, ClinGen allele CA361245494.

ClinVar aggregate classification (germline): Uncertain significance (1 of 4 stars; one submission).

Conditions:
Usher syndrome type 3B. Also called: USHER SYNDROME, TYPE IIIB. Identifiers: MedGen C3281066, MONDO:0013788, OMIM 614504.

Submission:

Labcorp Genetics (formerly Invitae), Labcorp
Classification: Uncertain significance for Usher syndrome type 3B. Last evaluated: 2021-03-14. Review status: criteria provided, single submitter. Criteria: Invitae Variant Classification Sherloc (09022015). Collection method: clinical testing. Allele origin: germline.
Comment: This sequence change replaces glycine with valine at codon 503 of the HARS protein (p.Gly503Val). The glycine residue is weakly conserved and there is a moderate physicochemical difference between glycine and valine. In summary, the available evidence is currently insufficient to determine the role of this variant in disease. Therefore, it has been classified as a Variant of Uncertain Significance. Algorithms developed to predict the effect of missense changes on protein structure and function (SIFT, PolyPhen-2, Align-GVGD) all suggest that this variant is likely to be tolerated, but these predictions have not been confirmed by published functional studies and their clinical significance is uncertain. This variant has not been reported in the literature in individuals with HARS-related conditions. This variant is not present in population databases (ExAC no frequency).